The following is an entry in ClinVar:

ClinVar aggregate classification (germline): Uncertain significance (1 of 4 stars; one submission).

Conditions:
Pitt-Hopkins syndrome (PTHS). Also called: ENCEPHALOPATHY, SEVERE EPILEPTIC, WITH AUTONOMIC DYSFUNCTION; MENTAL RETARDATION, SYNDROMAL, WITH INTERMITTENT HYPERVENTILATION. Identifiers: Orphanet 2896, MedGen C1970431, MONDO:0012589, OMIM 610954.

Submission:

Labcorp Genetics (formerly Invitae), Labcorp
Classification: Uncertain significance for Pitt-Hopkins syndrome. Last evaluated: 2022-10-01. Review status: criteria provided, single submitter. Criteria: Invitae Variant Classification Sherloc (09022015). Collection method: clinical testing. Allele origin: germline.
Comment: This sequence change replaces proline, which is neutral and non-polar, with alanine, which is neutral and non-polar, at codon 160 of the TCF4 protein (p.Pro160Ala). This variant is not present in population databases (gnomAD no frequency). This variant has not been reported in the literature in individuals affected with TCF4-related conditions. Advanced modeling of protein sequence and biophysical properties (such as structural, functional, and spatial information, amino acid conservation, physicochemical variation, residue mobility, and thermodynamic stability) performed at Invitae indicates that this missense variant is not expected to disrupt TCF4 protein function. In summary, the available evidence is currently insufficient to determine the role of this variant in disease. Therefore, it has been classified as a Variant of Uncertain Significance.

NM_001083962.2(TCF4):c.478C>G (p.Pro160Ala)

Gene: TCF4 (transcription factor 4; minus strand). Cytogenetic location: 18q21.2.
Variant type: single nucleotide variant.
Coding change: c.478C>G on transcript NM_001083962.2 (MANE Select); coding-DNA position 478, C replaced by G.
Protein change: p.Pro160Ala; replaces proline 160 with alanine.
Molecular consequence: missense variant.
Genome position (GRCh38, 1-based): chr18:55,350,895, G>C on the plus strand (C>G on the coding strand, the complement: TCF4 is on the minus strand). VCF-style: chr18-55350895-G-C. GRCh37 (hg19) VCF-style: chr18-53018126-G-C.
Other names: c.784C>G, p.Pro262Ala (NM_001243226.3); c.406C>G, p.Pro136Ala (NM_001243227.2, NM_001306207.1, NM_001348217.1 and 9 more transcripts); c.478C>G, p.Pro160Ala (NM_001243228.2, NM_001330604.3, NM_001369574.1 and 5 more transcripts); c.472C>G, p.Pro158Ala (NM_001243230.2); c.352C>G, p.Pro118Ala (NM_001243231.2, NM_001348211.2); c.265C>G, p.Pro89Ala (NM_001243232.1, NM_001306208.1); c.88C>G, p.Pro30Ala (NM_001243233.2, NM_001330605.3, NM_001348212.2 and 1 more transcripts); c.403C>G, p.Pro135Ala (NM_001369576.1, NM_001369578.1, NM_001369581.1 and 3 more transcripts); and 1 more; short protein forms P159A, P158A, P136A, P30A, P118A, P135A, P160A, P262A.
Identifiers: ClinVar variation 2162237 (VCV002162237.4), dbSNP rs759957286, ClinGen allele CA402702494.